The following is an entry in ClinVar:

ClinVar aggregate classification (germline): Likely benign. Review status: criteria provided, multiple submitters, no conflicts (2 of 4 stars). 3 submissions from 3 submitters: Likely benign (3). Last evaluated 2025-11-27.

Allele frequency attached by ClinVar (database versions not stated): gnomAD 0.00007 and 0.00010; ESP Exome Variant Server 0.00008; TOPMed 0.00009; gnomAD exomes 0.00013; ExAC 0.00016; 1000 Genomes Project 30x 0.00031; 1000 Genomes Project 0.00040.
gnomAD v4.1: 128 of 1,612,824 alleles (0.0079%); highest among the groups gnomAD compares: East Asian, 0.085%; no homozygotes.

Submissions (3):

Labcorp Genetics (formerly Invitae), Labcorp
Classification: Likely benign. Last evaluated: 2025-11-27. Review status: criteria provided, single submitter. Criteria: Invitae Variant Classification Sherloc (09022015). Collection method: clinical testing. Allele origin: germline.

CeGaT Center for Human Genetics Tuebingen
Classification: Likely benign. Last evaluated: 2024-03-01. Review status: criteria provided, single submitter. Criteria: CeGaT Center For Human Genetics Tuebingen Variant Classification Criteria Version 2. Collection method: clinical testing. Allele origin: germline. Affected: yes. Observed: 1 variant allele.
Comment: WDR1: BP4, BP7

Blueprint Genetics
Classification: Likely benign. Last evaluated: 2023-06-15. Review status: criteria provided, single submitter. Criteria: ACMG Guidelines, 2015. Collection method: clinical testing. Allele origin: germline.

NM_017491.5(WDR1):c.1365C>T (p.Pro455=)

Gene: WDR1 (WD repeat domain 1; minus strand). Cytogenetic location: 4p16.1.
Variant type: single nucleotide variant.
Coding change: c.1365C>T on transcript NM_017491.5 (MANE Select); coding-DNA position 1365, C replaced by T.
Protein change: p.Pro455=; no amino-acid change (proline 455 retained).
Molecular consequence: synonymous variant.
Genome position (GRCh38, 1-based): chr4:10,078,921, G>A on the plus strand (C>T on the coding strand, the complement: WDR1 is on the minus strand). VCF-style: chr4-10078921-G-A. GRCh37 (hg19) VCF-style: chr4-10080545-G-A.
Other names: c.945C>T, p.Pro315= (NM_005112.5).
Identifiers: ClinVar variation 1662085 (VCV001662085.30), dbSNP rs369817887, ClinGen allele CA2857603.